The following is an entry in ClinVar:

ClinVar aggregate classification (germline): Conflicting classifications of pathogenicity. Review status: criteria provided, conflicting classifications (1 of 4 stars). 5 submissions from 5 submitters: Pathogenic (1); Uncertain significance (4). Last evaluated 2024-10-11.

Conditions:
Southeast Asian ovalocytosis. Also called: HE, STOMATOCYTIC; Stomatocytic elliptocytosis, hereditary; Ovalocytosis, Malaysian-Melanesian-Filipino type; Elliptocytosis 4. Identifiers: Orphanet 98868, MedGen C1862322, MONDO:0008165, OMIM 166900.
Hereditary spherocytosis type 4. Also called: SLC4A1-Related Spherocytosis. Identifiers: Orphanet 822, MedGen C2675212, MONDO:0012981, OMIM 612653.
BLOOD GROUP--WRIGHT ANTIGEN (WR). Identifiers: MedGen C1862190, OMIM 112050.
BLOOD GROUP--SWANN SYSTEM (SW). Also called: SWANN BLOOD GROUP. Identifiers: MedGen C1832169, OMIM 601550.
BLOOD GROUP--DIEGO SYSTEM (DI). Identifiers: MedGen C1292286, OMIM 110500.
BLOOD GROUP, WALDNER (WD). Also called: WALDNER BLOOD GROUP ANTIGEN. Identifiers: MedGen C1862191, OMIM 112010.
BLOOD GROUP--FROESE (FR). Also called: FROESE BLOOD GROUP ANTIGEN. Identifiers: MedGen C1832168, OMIM 601551.
Malaria, susceptibility to. Identifiers: Orphanet 673, MedGen C1970028, MONDO:0021024, OMIM 611162.
Cryohydrocytosis. Also called: STOMATOCYTOSIS, COLD-SENSITIVE; CRYOHYDROCYTOSIS DUE TO BAND 3 HEMEL; CRYOHYDROCYTOSIS DUE TO BAND 3 HURSTPIERPOINT; CRYOHYDROCYTOSIS DUE TO BAND 3 BLACKBURN; Hereditary cryohydrocytosis with normal stomatin. Identifiers: Orphanet 398088, MedGen C1861453, MONDO:0008494, OMIM 185020.
Autosomal dominant distal renal tubular acidosis (DRTA1). Also called: Renal Tubular Acidosis, Type I; RTA, CLASSIC TYPE; RTA, DISTAL TYPE, AUTOSOMAL DOMINANT; RTA, GRADIENT TYPE; RENAL TUBULAR ACIDOSIS, DISTAL, 1. Identifiers: Orphanet 93608, MedGen CN280572, MONDO:0008368, OMIM 179800.
Renal tubular acidosis, distal, 4, with hemolytic anemia. Also called: Renal Tubular Acidosis, Distal, with Hemolytic Anemia. Identifiers: Orphanet 93610, MedGen C5436235, MONDO:0012700, OMIM 611590.
SLC4A1-related disorder. Also called: SLC4A1-related condition; SLC4A1-related disorders.

Allele frequency attached by ClinVar (database versions not stated): gnomAD 0.00001; gnomAD exomes 0.00001; ExAC 0.00002; TOPMed 0.00003.

Submissions (5):

PreventionGenetics, part of Exact Sciences
Classification: Uncertain significance for SLC4A1-related condition. Last evaluated: 2024-10-11. Review status: criteria provided, single submitter. Criteria: ACMG Guidelines, 2015. Collection method: clinical testing. Allele origin: germline.
Comment: The SLC4A1 c.1480G>A variant is predicted to result in the amino acid substitution p.Gly494Ser. This variant has been reported in the compound heterozygous state in two siblings with distal renal tubular acidosis and was inherited from an apparently unaffected father (Zhang et al 2012. PubMed ID: 22609520). This variant was also observed in DNA extracted from cardiac tissue in a proband affected with double outlet right ventricle (Tables S2 and S5, Meerschaut et al. 2022. PubMed ID: 35885997). This variant is reported in 0.0054% of alleles in individuals of East Asian descent in gnomAD. Although we suspect that this variant may be pathogenic, at this time, the clinical significance of this variant is uncertain due to the absence of conclusive functional and genetic evidence.

Department of Pediatrics, Duzce University
Classification: Pathogenic for Hereditary spherocytosis type 4. Last evaluated: 2024-02-12. Review status: criteria provided, single submitter. Criteria: ACMG Guidelines, 2015. Collection method: research. Allele origin: germline. Inheritance: Autosomal dominant inheritance. Affected: yes.
Comment: Missense variant p.(Gly494Ser) in SLC4A1 (band 3), associated with autosomal dominant hereditary spherocytosis. Located in a functional region of band 3 (PM1); rare/absent in population databases (PM2_supporting); deleterious in silico predictions (PP3); Applied ACMG/AMP criteria: PM1, PM2_supporting, PP3, PS4_supporting. Classification: Pathogenic.

Fulgent Genetics
Classification: Uncertain significance for BLOOD GROUP--DIEGO SYSTEM; BLOOD GROUP, WALDNER; BLOOD GROUP--WRIGHT ANTIGEN; Southeast Asian ovalocytosis; Autosomal dominant distal renal tubular acidosis; Cryohydrocytosis; BLOOD GROUP--SWANN SYSTEM; BLOOD GROUP--FROESE; Malaria, susceptibility to; Renal tubular acidosis, distal, 4, with hemolytic anemia; Hereditary spherocytosis type 4. Last evaluated: 2022-04-18. Review status: criteria provided, single submitter. Criteria: ACMG Guidelines, 2015. Collection method: clinical testing. Allele origin: unknown.

Labcorp Genetics (formerly Invitae), Labcorp
Classification: Uncertain significance. Last evaluated: 2022-04-17. Review status: criteria provided, single submitter. Criteria: Invitae Variant Classification Sherloc (09022015). Collection method: clinical testing. Allele origin: germline.
Comment: This sequence change replaces glycine, which is neutral and non-polar, with serine, which is neutral and polar, at codon 494 of the SLC4A1 protein (p.Gly494Ser). In summary, the available evidence is currently insufficient to determine the role of this variant in disease. Therefore, it has been classified as a Variant of Uncertain Significance. Algorithms developed to predict the effect of missense changes on protein structure and function are either unavailable or do not agree on the potential impact of this missense change (SIFT: "Tolerated"; PolyPhen-2: "Probably Damaging"; Align-GVGD: "Class C0"). ClinVar contains an entry for this variant (Variation ID: 546797). This missense change has been observed in individual(s) with distal renal tubular acidosis (PMID: 22609520). In at least one individual the data is consistent with being in trans (on the opposite chromosome) from a pathogenic variant. It has also been observed to segregate with disease in related individuals. This variant is present in population databases (rs751771382, gnomAD 0.006%).

CeGaT Center for Human Genetics Tuebingen
Classification: Uncertain significance. Last evaluated: 2017-12-01. Review status: criteria provided, single submitter. Criteria: CeGaT Center For Human Genetics Tuebingen Variant Classification Criteria Version 2. Collection method: clinical testing. Allele origin: germline. Affected: yes. Observed: 1 variant allele.

Literature cited by the submitters: PubMed 22609520 (cited by Labcorp Genetics (formerly Invitae), Labcorp).

NM_000342.4(SLC4A1):c.1480G>A (p.Gly494Ser)

Gene: SLC4A1 (solute carrier family 4 member 1 (Diego blood group); minus strand). Cytogenetic location: 17q21.31.
Variant type: single nucleotide variant.
Coding change: c.1480G>A on transcript NM_000342.4 (MANE Select); coding-DNA position 1480, G replaced by A.
Protein change: p.Gly494Ser; replaces glycine 494 with serine.
Molecular consequence: missense variant.
Genome position (GRCh38, 1-based): chr17:44,257,496, C>T on the plus strand (G>A on the coding strand, the complement: SLC4A1 is on the minus strand). VCF-style: chr17-44257496-C-T. GRCh37 (hg19) VCF-style: chr17-42334864-C-T.
Other names: p.(Gly494Ser); c.1480G>A (NM_000342.3); short protein forms G494S.
Identifiers: ClinVar variation 546797 (VCV000546797.50), dbSNP rs751771382, ClinGen allele CA8600255.